The following is an entry in ClinVar:

ClinVar aggregate classification (germline): Pathogenic (1 of 4 stars; one submission).

Conditions:
Duchenne muscular dystrophy (DMD). Also called: MUSCULAR DYSTROPHY, PSEUDOHYPERTROPHIC PROGRESSIVE, DUCHENNE TYPE; Duchenne Muscular Dystrophy (DMD). Identifiers: Orphanet 98896, MedGen C0013264, MONDO:0010679, OMIM 310200.

Submission:

Labcorp Genetics (formerly Invitae), Labcorp
Classification: Pathogenic for Duchenne muscular dystrophy. Last evaluated: 2017-06-05. Review status: criteria provided, single submitter. Criteria: Invitae Variant Classification Sherloc (09022015). Collection method: clinical testing. Allele origin: germline.
Comment: This sequence change creates a premature translational stop signal (p.Lys1871Asnfs*11) in the DMD gene. It is expected to result in an absent or disrupted protein product. This variant is not present in population databases (ExAC no frequency). This variant has not been reported in the literature in individuals with a DMD-related disease. Loss-of-function variants in DMD are known to be pathogenic (PMID: 16770791). For these reasons, this variant has been classified as Pathogenic.

NM_004006.3(DMD):c.5613_5640del (p.Lys1871fs)

Gene: DMD (dystrophin; minus strand). Cytogenetic location: Xp21.1.
Variant type: Deletion.
Coding change: c.5613_5640del on transcript NM_004006.3 (MANE Select); coding-DNA positions 5613 to 5640, 28 bases deleted (GGCTCTAGAAATTTCTCATCAGTGGTAT).
Protein change: p.Lys1871fs; shifts the reading frame from lysine 1871.
Molecular consequence: frameshift variant.
Genome position (GRCh38, 1-based): chrX:32,343,233-32,343,260, ATACCACTGATGAGAAATTTCTAGAGCC deleted on the plus strand (GGCTCTAGAAATTTCTCATCAGTGGTAT on the coding strand, the reverse complement: DMD is on the minus strand). VCF-style (leftmost placement, unchanged base first): chrX-32343232-GATACCACTGATGAGAAATTTCTAGAGCC-G. GRCh37 (hg19) VCF-style: chrX-32361349-GATACCACTGATGAGAAATTTCTAGAGCC-G.
Other names: c.5589_5616del, p.Lys1863fs (NM_000109.4); c.5601_5628del, p.Lys1867fs (NM_004009.3); c.5244_5271del, p.Lys1748fs (NM_004010.3); c.1590_1617del, p.Lys530fs (NM_004011.4); c.1581_1608del, p.Lys527fs (NM_004012.4); c.5613_5640delGGCTCTAGAAATTTCTCATCAGTGGTAT (NM_004006.2); short protein forms K1867fs, K527fs, K530fs, K1748fs, K1863fs, K1871fs.
Identifiers: ClinVar variation 455913 (VCV000455913.1), dbSNP rs1557291170, ClinGen allele CA658658961.